The following is an entry in ClinVar:

ClinVar aggregate classification (germline): Conflicting classifications of pathogenicity. Review status: criteria provided, conflicting classifications (1 of 4 stars). 3 submissions from 3 submitters: Uncertain significance (2); Likely benign (1). Last evaluated 2024-08-07.

Conditions:
Hereditary breast ovarian cancer syndrome. Also called: Hereditary breast and ovarian cancer; Hereditary breast and/or ovarian cancer syndrome; BRCA1- and BRCA2-Associated Hereditary Breast and Ovarian Cancer; Hereditary breast and ovarian cancer syndrome; Hereditary breast and ovarian cancer syndrome (HBOC); Breast and ovarian cancer. Identifiers: Orphanet 145, MedGen C0677776, MeSH D061325, MONDO:0003582. Disease mechanism: loss of function.
Hereditary cancer-predisposing syndrome. Also called: Tumor predisposition; Hereditary Cancer Syndrome; Hereditary neoplastic syndrome; Neoplastic Syndromes, Hereditary. Identifiers: Orphanet 140162, MedGen C0027672, MeSH D009386, MONDO:0015356.

Submissions (3):

Labcorp Genetics (formerly Invitae), Labcorp
Classification: Uncertain significance for Hereditary breast ovarian cancer syndrome. Last evaluated: 2024-08-07. Review status: criteria provided, single submitter. Criteria: Invitae Variant Classification Sherloc (09022015). Collection method: clinical testing. Allele origin: germline.
Comment: This sequence change replaces serine, which is neutral and polar, with proline, which is neutral and non-polar, at codon 1461 of the BRCA2 protein (p.Ser1461Pro). This variant is not present in population databases (gnomAD no frequency). This variant has not been reported in the literature in individuals affected with BRCA2-related conditions. ClinVar contains an entry for this variant (Variation ID: 409598). Advanced modeling of protein sequence and biophysical properties (such as structural, functional, and spatial information, amino acid conservation, physicochemical variation, residue mobility, and thermodynamic stability) performed at Invitae indicates that this missense variant is not expected to disrupt BRCA2 protein function with a negative predictive value of 95%. In summary, the available evidence is currently insufficient to determine the role of this variant in disease. Therefore, it has been classified as a Variant of Uncertain Significance.

Ambry Genetics
Classification: Uncertain significance for Hereditary cancer-predisposing syndrome. Last evaluated: 2023-06-10. Review status: criteria provided, single submitter. Criteria: Ambry Variant Classification Scheme 2023. Collection method: clinical testing. Allele origin: germline.
Comment: The p.S1461P variant (also known as c.4381T>C), located in coding exon 10 of the BRCA2 gene, results from a T to C substitution at nucleotide position 4381. The serine at codon 1461 is replaced by proline, an amino acid with similar properties. This amino acid position is well conserved in available vertebrate species. In addition, this alteration is predicted to be tolerated by in silico analysis. Since supporting evidence is limited at this time, the clinical significance of this alteration remains unclear.

University of Washington Department of Laboratory Medicine, University of Washington
Classification: Likely benign for Hereditary cancer-predisposing syndrome. Last evaluated: 2023-03-23. Review status: criteria provided, single submitter. Criteria: Dines et al. (Genet Med. 2020). Collection method: curation. Allele origin: germline.
Comment: Missense variant in a coldspot region where missense variants are very unlikely to be pathogenic (PMID:31911673).

BRCA2 exon 11 coldspot. Reclassification based on statistical prior probability.

NM_000059.4(BRCA2):c.4381T>C (p.Ser1461Pro)

Gene: BRCA2 (BRCA2 DNA repair associated; plus strand). Cytogenetic location: 13q13.1.
Variant type: single nucleotide variant.
Coding change: c.4381T>C on transcript NM_000059.4 (MANE Select); coding-DNA position 4381, T replaced by C.
Protein change: p.Ser1461Pro; replaces serine 1461 with proline.
Molecular consequence: missense variant.
Genome position (GRCh38, 1-based): chr13:32,338,736, T>C. VCF-style: chr13-32338736-T-C. GRCh37 (hg19) VCF-style: chr13-32912873-T-C.
Other names: short protein forms S1461P.
Identifiers: ClinVar variation 409598 (VCV000409598.17), dbSNP rs1060502490, ClinGen allele CA16613884.
Genomic context (GRCh38, chr13:32,338,736, plus strand): 5'-GAGTCATTTAATAAAATTGTAAATTTCTTTGATCAGAAACCAGAAGAATTGCATAACTTT[T>C]CCTTAAATTCTGAATTACATTCTGACATAAGAAAGAACAAAATGGACATTCTAAGTTATG-3'
Protein context (NP_000050.3, residues 1451-1471): DQKPEELHNF[Ser1461Pro]LNSELHSDIR